The following is an entry in ClinVar:

NM_000216.4(ANOS1):c.146G>A (p.Cys49Tyr)

Gene: ANOS1 (anosmin 1; minus strand). Cytogenetic location: Xp22.31.
Variant type: single nucleotide variant.
Coding change: c.146G>A on transcript NM_000216.4 (MANE Select); coding-DNA position 146, G replaced by A.
Protein change: p.Cys49Tyr; replaces cysteine 49 with tyrosine.
Molecular consequence: missense variant.
Genome position (GRCh38, 1-based): chrX:8,731,891, C>T on the plus strand (G>A on the coding strand, the complement: ANOS1 is on the minus strand). VCF-style: chrX-8731891-C-T. GRCh37 (hg19) VCF-style: chrX-8699932-C-T.
Other names: c.146G>A, p.Cys49Tyr (NM_001440775.1); short protein forms C49Y.
Identifiers: ClinVar variation 4689193 (VCV004689193.1).
Genomic context (GRCh38, chrX:8,731,891, plus strand): 5'-TGGAAGTGCTGGAAGAAGGCGGAGATGCGAGTGATCTGCAGGCTCAGGCACCTGGAGGCG[C>T]AGCGAGCGCGCTGGACGCTCCCGGCAGACAGCGACTCGTCCAGCCGCCGCGCAGCAGCCG-3'
Protein context (NP_000207.2, residues 39-59): LSAGSVQRAR[Cys49Tyr]ASRCLSLQIT

ClinVar aggregate classification (germline): Uncertain significance (1 of 4 stars; one submission).

Submission:

Women's Health and Genetics/Laboratory Corporation of America, LabCorp
Classification: Uncertain significance. Last evaluated: 2026-01-20. Review status: criteria provided, single submitter. Criteria: LabCorp Variant Classification Summary - May 2015. Collection method: clinical testing. Allele origin: germline.
Comment: Variant summary: ANOS1 c.146G>A (p.Cys49Tyr) results in a non-conservative amino acid change in the encoded protein sequence. Algorithms developed to predict the effect of missense changes on protein structure and function all suggest that this variant is likely to be disruptive. The variant was absent in 144758 control chromosomes. The available data on variant occurrences in the general population are insufficient to allow any conclusion about variant significance. To our knowledge, no occurrence of c.146G>A in individuals affected with ANOS1-related conditions and no experimental evidence demonstrating its impact on protein function have been reported. No submitters have cited clinical-significance assessments for this variant to ClinVar. Based on the evidence outlined above, the variant was classified as uncertain significance.